The following is an entry in ClinVar:

NM_001242896.3(DEPDC5):c.336_337del (p.Asp113fs)

Gene: DEPDC5 (DEP domain containing 5, GATOR1 subcomplex subunit; plus strand). Cytogenetic location: 22q12.2.
Variant type: Deletion.
Coding change: c.336_337del on transcript NM_001242896.3 (MANE Select); coding-DNA positions 336 to 337, 2 bases deleted (GG; older notation c.336_337delGG).
Protein change: p.Asp113fs; shifts the reading frame from aspartic acid 113.
Molecular consequence: frameshift variant. On other transcripts: non-coding transcript variant (5), intron variant (2).
Genome position (GRCh38, 1-based): chr22:31,766,641-31,766,642, GG deleted; deleting any 2 consecutive bases within chr22:31,766,639-31,766,642 gives the same sequence; the c. name uses the placement nearest the transcript's 3' end. VCF-style (leftmost placement, unchanged base first): chr22-31766638-TGG-T. GRCh37 (hg19) VCF-style: chr22-32162624-TGG-T.
Other names: c.336_337del, p.Asp113fs (NM_001007188.4, NM_001136029.4, NM_001242897.2 and 7 more transcripts); c.279+1581_279+1582del (NM_001369902.1, NM_001369901.1); short protein forms D113fs.
Identifiers: ClinVar variation 426117 (VCV000426117.2), dbSNP rs1085307452, ClinGen allele CA645293920.

ClinVar aggregate classification (germline): Pathogenic. Review status: criteria provided, multiple submitters, no conflicts (2 of 4 stars). 2 submissions from 2 submitters: Pathogenic (2). Last evaluated 2017-05-03.

Submissions (2):

GeneDx
Classification: Pathogenic. Last evaluated: 2017-05-03. Review status: criteria provided, single submitter. Criteria: GeneDx Variant Classification (06012015). Collection method: clinical testing. Allele origin: germline. Affected: yes.
Comment: The c.336_337delGG pathogenic variant in the DEPDC5 gene causes a frameshift starting with codon Aspartic acid 113, changes this amino acid to a Tyrosine residue and creates a premature Stop codon at position 30 of the new reading frame, denoted p.Asp113TyrfsX30. This pathogenic variant is predicted to cause loss of normal protein function either through protein truncation or nonsense-mediated mRNA decay. The c.336_337delGG variant is not observed in large population cohorts (Lek et al., 2016; 1000 Genomes Consortium et al., 2015; Exome Variant Server).

Athena Diagnostics
Classification: Pathogenic. Last evaluated: 2017-01-13. Review status: criteria provided, single submitter. Criteria: Athena Diagnostics Criteria. Collection method: clinical testing. Allele origin: germline.